The following is an entry in ClinVar:

NM_002439.5(MSH3):c.2839A>G (p.Lys947Glu)

Gene: MSH3 (mutS homolog 3; plus strand). Cytogenetic location: 5q14.1.
Variant type: single nucleotide variant.
Coding change: c.2839A>G on transcript NM_002439.5 (MANE Select); coding-DNA position 2839, A replaced by G.
Protein change: p.Lys947Glu; replaces lysine 947 with glutamic acid.
Molecular consequence: missense variant.
Genome position (GRCh38, 1-based): chr5:80,854,155, A>G. VCF-style: chr5-80854155-A-G. GRCh37 (hg19) VCF-style: chr5-80149974-A-G.
Other names: short protein forms K947E.
Identifiers: ClinVar variation 916273 (VCV000916273.50), dbSNP rs1745876734, ClinGen allele CA360275508.
Genomic context (GRCh38, chr5:80,854,155, plus strand): 5'-AGAGGAAAATCAAGGTGTTTTCATCTTGCTTGTAGGATGGGTGCTGCAGACAATATATAT[A>G]AAGGACAGAGTACATTTATGGAAGAACTGACTGACACAGCAGAAATAATCAGAAAAGCAA-3'
Protein context (NP_002430.3, residues 937-957): TRMGAADNIY[Lys947Glu]GQSTFMEELT

ClinVar aggregate classification (germline): Uncertain significance. Review status: criteria provided, multiple submitters, no conflicts (2 of 4 stars). 3 submissions from 3 submitters: Uncertain significance (3). Last evaluated 2024-07-01.

Conditions:
Hereditary cancer-predisposing syndrome. Also called: Hereditary Cancer Syndrome; Tumor predisposition; Neoplastic Syndromes, Hereditary; Hereditary neoplastic syndrome. Identifiers: Orphanet 140162, MedGen C0027672, MeSH D009386, MONDO:0015356.

Allele frequency attached by ClinVar (database versions not stated): gnomAD exomes below 0.00001.
gnomAD v4.1: 1 of 1,613,674 alleles (0.000062%); highest among the groups gnomAD compares: Non-Finnish European, 0.000085%; no homozygotes.

Submissions (3):

Labcorp Genetics (formerly Invitae), Labcorp
Classification: Uncertain significance. Last evaluated: 2024-07-01. Review status: criteria provided, single submitter. Criteria: Invitae Variant Classification Sherloc (09022015). Collection method: clinical testing. Allele origin: germline.
Comment: This sequence change replaces lysine, which is basic and polar, with glutamic acid, which is acidic and polar, at codon 947 of the MSH3 protein (p.Lys947Glu). This variant is not present in population databases (gnomAD no frequency). This variant has not been reported in the literature in individuals affected with MSH3-related conditions. ClinVar contains an entry for this variant (Variation ID: 916273). An algorithm developed to predict the effect of missense changes on protein structure and function (PolyPhen-2) suggests that this variant is likely to be disruptive. In summary, the available evidence is currently insufficient to determine the role of this variant in disease. Therefore, it has been classified as a Variant of Uncertain Significance.

Ambry Genetics
Classification: Uncertain significance for Hereditary cancer-predisposing syndrome. Last evaluated: 2023-08-28. Review status: criteria provided, single submitter. Criteria: Ambry Variant Classification Scheme 2023. Collection method: clinical testing. Allele origin: germline.
Comment: The p.K947E variant (also known as c.2839A>G), located in coding exon 21 of the MSH3 gene, results from an A to G substitution at nucleotide position 2839. The lysine at codon 947 is replaced by glutamic acid, an amino acid with similar properties. This amino acid position is conserved. In addition, the in silico prediction for this alteration is inconclusive. Since supporting evidence is limited at this time, the clinical significance of this alteration remains unclear.

CeGaT Center for Human Genetics Tuebingen
Classification: Uncertain significance. Last evaluated: 2023-03-01. Review status: criteria provided, single submitter. Criteria: CeGaT Center For Human Genetics Tuebingen Variant Classification Criteria Version 2. Collection method: clinical testing. Allele origin: germline. Affected: yes. Observed: 2 variant alleles.
Comment: MSH3: PM2, BP1